The following is an entry in ClinVar:

ClinVar aggregate classification (germline): Benign/Likely benign. Review status: criteria provided, multiple submitters, no conflicts (2 of 4 stars). 2 submissions from 2 submitters: Benign (1); Likely benign (1). Last evaluated 2026-06-15.

Conditions:
Polyps, multiple and recurrent inflammatory fibroid, gastrointestinal. Identifiers: MedGen C5193005, MONDO:0008285, OMIM 175510.
Gastrointestinal stromal tumor. Also called: Gastrointestinal stromal tumor, somatic; Gastrointestinal stroma tumor. Identifiers: Orphanet 44890, MedGen C0238198, MeSH D046152, MONDO:0011719, OMIM 606764, HP:0100723.

Allele frequency attached by ClinVar (database versions not stated): gnomAD exomes 0.00006 and 0.00019; ExAC 0.00026; gnomAD 0.00062 and 0.00063; TOPMed 0.00068; ESP Exome Variant Server 0.00085; 1000 Genomes Project 30x 0.00156; 1000 Genomes Project 0.00180.
gnomAD v4.1: 196 of 1,561,166 alleles (0.013%); highest among the groups gnomAD compares: African/African-American, 0.23%; no homozygotes.

Submissions (2):

Myriad Genetics, Inc.
Classification: Likely benign for Polyps, multiple and recurrent inflammatory fibroid, gastrointestinal. Last evaluated: 2026-06-15. Review status: criteria provided, single submitter. Criteria: Myriad Autosomal Dominant, Autosomal Recessive and X-Linked Classification Criteria (2023). Collection method: clinical testing. Allele origin: unknown.
Comment: This variant is considered likely benign. This variant is intronic and is not expected to impact mRNA splicing.

Labcorp Genetics (formerly Invitae), Labcorp
Classification: Benign for Gastrointestinal stromal tumor. Last evaluated: 2026-01-19. Review status: criteria provided, single submitter. Criteria: Invitae Variant Classification Sherloc (09022015). Collection method: clinical testing. Allele origin: germline.

NM_006206.6(PDGFRA):c.1892-17A>G

Gene: PDGFRA (platelet derived growth factor receptor alpha; plus strand). Cytogenetic location: 4q12.
Variant type: single nucleotide variant.
Coding change: c.1892-17A>G on transcript NM_006206.6 (MANE Select); 17 bases into the intron before coding-DNA position 1892, A replaced by G.
Molecular consequence: intron variant.
Genome position (GRCh38, 1-based): chr4:54,277,879, A>G. VCF-style: chr4-54277879-A-G. GRCh37 (hg19) VCF-style: chr4-55144046-A-G.
Other names: c.1967-17A>G (NM_001347828.2); c.1892-17A>G (NM_001347827.2, NM_001347829.2); c.1931-17A>G (NM_001347830.2).
Identifiers: ClinVar variation 1599100 (VCV001599100.9), dbSNP rs147313293, ClinGen allele CA2922706.